The following is an entry in ClinVar:

NM_000268.4(NF2):c.518TAA[1] (p.Ile174del)

Gene: NF2 (NF2, moesin-ezrin-radixin like (MERLIN) tumor suppressor; plus strand). Cytogenetic location: 22q12.2.
Variant type: Microsatellite.
Coding change: c.518TAA[1] on transcript NM_000268.4 (MANE Select); one copy of the 3-base unit TAA starting at c.518; the reference has two copies in a row; one copy, 3 bases deleted; also written c.521_523del.
Protein change: p.Ile174del; deletes isoleucine 174.
Molecular consequence: inframe deletion. On other transcripts: inframe indel (2), 5 prime UTR variant (1), intron variant (1).
Genome position (GRCh38, 1-based): chr22:29,655,598-29,655,600, TAA deleted; deleting any 3 consecutive bases within chr22:29,655,595-29,655,600 gives the same sequence; the position shown is the placement nearest the transcript's 3' end. VCF-style (leftmost placement, unchanged base first): chr22-29655594-GTAA-G. GRCh37 (hg19) VCF-style: chr22-30051583-GTAA-G.
Other names: c.518_520TAA[1], p.Ile174del (NM_000268.3); c.404TAA[1], p.Ile136del (NM_001407053.1, NM_001407056.1); c.395TAA[1], p.Ile133del (NM_001407054.1, NM_001407058.1, NM_001407062.1 and 1 more transcripts); c.392TAA[1], p.Ile132del (NM_001407055.1, NM_181828.3); c.518TAA[1], p.Ile174del (NM_001407057.1, NM_001407059.1, NM_001407060.1 and 4 more transcripts); c.269TAA[1], p.Ile91del (NM_001407063.1, NM_001407064.1, NM_181830.3 and 1 more transcripts); c.-17TAA[1] (NM_001407065.1); c.287TAA[1], p.Ile97del (NM_001407067.1); and 2 more; short protein forms I132del, I133del, I136del, I174del, I91del, I97del.
Identifiers: ClinVar variation 2504955 (VCV002504955.1), dbSNP rs2518554674, ClinGen allele CA2580615290.

ClinVar aggregate classification (germline): Uncertain significance (1 of 4 stars; one submission).

Submission:

GeneDx
Classification: Uncertain significance. Last evaluated: 2022-12-05. Review status: criteria provided, single submitter. Criteria: GeneDx Variant Classification Process June 2021. Collection method: clinical testing. Allele origin: germline. Affected: yes.
Comment: Not observed at significant frequency in large population cohorts (gnomAD); In-frame deletion of 1 amino acids in a non-repeat region; In silico analysis supports a deleterious effect on protein structure/function; Has not been previously published as pathogenic or benign to our knowledge